The following is an entry in ClinVar:

NM_080473.5(GATA5):c.550G>C (p.Gly184Arg)

Gene: GATA5 (GATA binding protein 5; minus strand). Cytogenetic location: 20q13.33.
Variant type: single nucleotide variant.
Coding change: c.550G>C on transcript NM_080473.5 (MANE Select); coding-DNA position 550, G replaced by C.
Protein change: p.Gly184Arg; replaces glycine 184 with arginine.
Molecular consequence: missense variant.
Genome position (GRCh38, 1-based): chr20:62,473,552, C>G on the plus strand (G>C on the coding strand, the complement: GATA5 is on the minus strand). VCF-style: chr20-62473552-C-G. GRCh37 (hg19) VCF-style: chr20-61048608-C-G.
Other names: short protein forms G184R.
Identifiers: ClinVar variation 427081 (VCV000427081.10), dbSNP rs782773387, ClinGen allele CA9946284.

ClinVar aggregate classification (germline): Conflicting classifications of pathogenicity. Review status: criteria provided, conflicting classifications (1 of 4 stars). 2 submissions from 2 submitters: Likely pathogenic (1); Uncertain significance (1). Last evaluated 2025-07-21.

Allele frequency attached by ClinVar (database versions not stated): gnomAD 0.00004; gnomAD exomes 0.00004; ExAC 0.00005; TOPMed 0.00008.
gnomAD v4.1: 60 of 1,601,828 alleles (0.0037%); highest among the groups gnomAD compares: African/African-American, 0.013%; no homozygotes.

Submissions (2):

Labcorp Genetics (formerly Invitae), Labcorp
Classification: Uncertain significance. Last evaluated: 2025-07-21. Review status: criteria provided, single submitter. Criteria: Invitae Variant Classification Sherloc (09022015). Collection method: clinical testing. Allele origin: germline.
Comment: This sequence change replaces glycine, which is neutral and non-polar, with arginine, which is basic and polar, at codon 184 of the GATA5 protein (p.Gly184Arg). This variant is present in population databases (rs782773387, gnomAD 0.02%). This variant has not been reported in the literature in individuals affected with GATA5-related conditions. ClinVar contains an entry for this variant (Variation ID: 427081). Invitae Evidence Modeling of protein sequence and biophysical properties (such as structural, functional, and spatial information, amino acid conservation, physicochemical variation, residue mobility, and thermodynamic stability) indicates that this missense variant is expected to disrupt GATA5 protein function with a positive predictive value of 80%. In summary, the available evidence is currently insufficient to determine the role of this variant in disease. Therefore, it has been classified as a Variant of Uncertain Significance.

GeneDx
Classification: Likely pathogenic. Last evaluated: 2015-06-22. Review status: criteria provided, single submitter. Criteria: GeneDx Variant Classification (06012015). Collection method: clinical testing. Allele origin: germline. Affected: yes.
Comment: The G184R variant in the GATA5 gene has not been published as a pathogenic variant, nor has it been reported as a benign polymorphism to our knowledge. The G184R variant was not observed in approximately 6500 individuals of European and African American ancestry in the NHLBI Exome Sequencing Project, indicating it is not a common benign variant in these populations. The G184R variant is a non-conservative amino acid substitution, which is likely to impact secondary protein structure as these residues differ in polarity, charge, size and/or other properties. This substitution occurs at a position that is conserved in mammals. In silico analysis is inconsistent in its predictions as to whether or not the variant is damaging to the protein structure/function. Missense variants in the same and nearby residues (G184V, R187G, V190A) have been reported in the Human Gene Mutation Database in association with GATA5-related disorders (Stenson et al., 2014), supporting the functional importance of this region of the protein. The G184R variant is a strong candidate for a disease-causing variant, however the possibility it may be a rare benign variant cannot be excluded.